The following is an entry in ClinVar:

NM_005228.5(EGFR):c.3005T>C (p.Met1002Thr)

Gene: EGFR (epidermal growth factor receptor; plus strand). Cytogenetic location: 7p11.2.
Variant type: single nucleotide variant.
Coding change: c.3005T>C on transcript NM_005228.5 (MANE Select); coding-DNA position 3005, T replaced by C.
Protein change: p.Met1002Thr; replaces methionine 1002 with threonine.
Molecular consequence: missense variant.
Genome position (GRCh38, 1-based): chr7:55,201,246, T>C. VCF-style: chr7-55201246-T-C. GRCh37 (hg19) VCF-style: chr7-55268939-T-C.
Other names: c.2870T>C, p.Met957Thr (NM_001346897.2, NM_001346899.2); c.3005T>C, p.Met1002Thr (NM_001346898.2); c.2846T>C, p.Met949Thr (NM_001346900.2); c.2204T>C, p.Met735Thr (NM_001346941.2); short protein forms M735T, M957T, M1002T, M949T.
Identifiers: ClinVar variation 3022056 (VCV003022056.4), dbSNP rs1319486482, ClinGen allele CA367582456.

ClinVar aggregate classification (germline): Uncertain significance. Review status: criteria provided, multiple submitters, no conflicts (2 of 4 stars). 2 submissions from 2 submitters: Uncertain significance (2). Last evaluated 2025-11-17.

Conditions:
EGFR-related lung cancer (EGFR). Identifiers: MedGen CN130014.
Hereditary cancer-predisposing syndrome. Also called: Tumor predisposition; Hereditary neoplastic syndrome; Hereditary Cancer Syndrome; Neoplastic Syndromes, Hereditary. Identifiers: Orphanet 140162, MedGen C0027672, MeSH D009386, MONDO:0015356.

Allele frequency attached by ClinVar (database versions not stated): gnomAD exomes below 0.00001; gnomAD 0.00001; TOPMed 0.00001.

Submissions (2):

Labcorp Genetics (formerly Invitae), Labcorp
Classification: Uncertain significance for EGFR-related lung cancer. Last evaluated: 2025-11-17. Review status: criteria provided, single submitter. Criteria: Invitae Variant Classification Sherloc (09022015). Collection method: clinical testing. Allele origin: germline.
Comment: This sequence change replaces methionine, which is neutral and non-polar, with threonine, which is neutral and polar, at codon 1002 of the EGFR protein (p.Met1002Thr). This variant is not present in population databases (gnomAD no frequency). This variant has not been reported in the literature in individuals affected with EGFR-related conditions. ClinVar contains an entry for this variant (Variation ID: 3022056). Invitae Evidence Modeling of protein sequence and biophysical properties (such as structural, functional, and spatial information, amino acid conservation, physicochemical variation, residue mobility, and thermodynamic stability) indicates that this missense variant is not expected to disrupt EGFR protein function with a negative predictive value of 80%. In summary, the available evidence is currently insufficient to determine the role of this variant in disease. Therefore, it has been classified as a Variant of Uncertain Significance.

Ambry Genetics
Classification: Uncertain significance for Hereditary cancer-predisposing syndrome. Last evaluated: 2025-03-24. Review status: criteria provided, single submitter. Criteria: Ambry Variant Classification Scheme 2023. Collection method: clinical testing. Allele origin: germline.
Comment: The p.M1002T variant (also known as c.3005T>C), located in coding exon 25 of the EGFR gene, results from a T to C substitution at nucleotide position 3005. The methionine at codon 1002 is replaced by threonine, an amino acid with similar properties. This amino acid position is not well conserved in available vertebrate species. In addition, the in silico prediction for this alteration is inconclusive. Based on the available evidence, the clinical significance of this variant remains unclear.